The following is an entry in ClinVar:

ClinVar aggregate classification (germline): Uncertain significance (1 of 4 stars; one submission).

Conditions:
Inborn genetic diseases. Identifiers: MedGen C0950123, MeSH D030342.

Submission:

Ambry Genetics
Classification: Uncertain significance for Inborn genetic diseases. Last evaluated: 2025-05-27. Review status: criteria provided, single submitter. Criteria: Ambry Variant Classification Scheme 2023. Collection method: clinical testing. Allele origin: germline.
Comment: The p.I123V variant (also known as c.367A>G), located in coding exon 3 of the RTEL1 gene, results from an A to G substitution at nucleotide position 367. The isoleucine at codon 123 is replaced by valine, an amino acid with highly similar properties. This amino acid position is conserved. In addition, this alteration is predicted to be tolerated by in silico analysis. Based on the available evidence, the clinical significance of this variant remains unclear.

NM_001283009.2(RTEL1):c.367A>G (p.Ile123Val)

Genes: RTEL1 (regulator of telomere elongation helicase 1; plus strand), RTEL1-TNFRSF6B (RTEL1-TNFRSF6B readthrough (NMD candidate); plus strand). Cytogenetic location: 20q13.33.
Variant type: single nucleotide variant.
Coding change: c.367A>G on transcript NM_001283009.2 (MANE Select); coding-DNA position 367, A replaced by G.
Protein change: p.Ile123Val; replaces isoleucine 123 with valine.
Molecular consequence: missense variant. On other transcripts: non-coding transcript variant (1), 5 prime UTR variant (1).
Genome position (GRCh38, 1-based): chr20:63,661,915, A>G. VCF-style: chr20-63661915-A-G. GRCh37 (hg19) VCF-style: chr20-62293268-A-G.
Other names: c.-303A>G (NM_001283010.1); c.367A>G, p.Ile123Val (NM_016434.4, NM_032957.5); short protein forms I123V.
Identifiers: ClinVar variation 3948428 (VCV003948428.1).